The following is an entry in ClinVar:

NM_006005.3(WFS1):c.482G>A (p.Arg161Gln)

Gene: WFS1 (wolframin ER transmembrane glycoprotein; plus strand). Cytogenetic location: 4p16.1.
Variant type: single nucleotide variant.
Coding change: c.482G>A on transcript NM_006005.3 (MANE Select); coding-DNA position 482, G replaced by A.
Protein change: p.Arg161Gln; replaces arginine 161 with glutamine.
Molecular consequence: missense variant.
Genome position (GRCh38, 1-based): chr4:6,291,218, G>A. VCF-style: chr4-6291218-G-A. GRCh37 (hg19) VCF-style: chr4-6292945-G-A.
Other names: p.R161Q:CGG>CAG; c.482G>A, p.Arg161Gln (NM_001145853.1); short protein forms R161Q.
Identifiers: ClinVar variation 137911 (VCV000137911.39), dbSNP rs115346085, ClinGen allele CA295568.

ClinVar aggregate classification (germline): Benign/Likely benign. Review status: criteria provided, multiple submitters, no conflicts (2 of 4 stars). 14 submissions from 13 submitters: Benign (6); Likely benign (5). 3 of the submissions do not count toward it. Last evaluated 2026-01-28.

Conditions:
WFS1-Related Spectrum Disorders.
Wolfram syndrome 1 (WFS1). Identifiers: Orphanet 3463, MedGen C4551693, MONDO:0009101, OMIM 222300.
Type 2 diabetes mellitus. Also called: Type II diabetes mellitus. Identifiers: MedGen C0011860, MeSH D003924, MONDO:0005148, OMIM 125853, HP:0005978.
Autosomal dominant nonsyndromic hearing loss 6 (LFSNHL). Also called: DEAFNESS, AUTOSOMAL DOMINANT 6; Autosomal dominant nonsyndromic deafness 6; DEAFNESS, AUTOSOMAL DOMINANT 14; DEAFNESS, AUTOSOMAL DOMINANT 38. Identifiers: Orphanet 90635, MedGen C1833021, MONDO:0010963, OMIM 600965.
Cataract 41 (CTRCT41). Also called: CATARACT 41, CONGENITAL NUCLEAR TYPE. Identifiers: Orphanet 91492, Orphanet 98991, Orphanet 98992, Orphanet 98995, MedGen C3805412, MONDO:0007287, OMIM 116400.
Wolfram-like syndrome. Also called: HEARING LOSS, PROGRESSIVE, WITH OPTIC ATROPHY AND/OR IMPAIRED GLUCOSE REGULATION. Identifiers: Orphanet 411590, MedGen C3280358, MONDO:0013673, OMIM 614296.

Allele frequency attached by ClinVar (database versions not stated): gnomAD exomes 0.00087; ExAC 0.00096; gnomAD 0.00204; TOPMed 0.00223; ESP Exome Variant Server 0.00254; 1000 Genomes Project 0.00419; 1000 Genomes Project 30x 0.00437.
gnomAD v4.1: 949 of 1,612,798 alleles (0.059%); highest among the groups gnomAD compares: African/African-American, 0.72%; 4 homozygotes.

Submissions (14):

Labcorp Genetics (formerly Invitae), Labcorp
Classification: Benign. Last evaluated: 2026-01-28. Review status: criteria provided, single submitter. Criteria: Invitae Variant Classification Sherloc (09022015). Collection method: clinical testing. Allele origin: germline.

ARUP Laboratories, Molecular Genetics and Genomics, ARUP Laboratories
Classification: Benign. Last evaluated: 2025-05-15. Review status: criteria provided, single submitter. Criteria: ARUP Molecular Germline Variant Investigation Process 2024. Collection method: clinical testing. Allele origin: germline.

Mayo Clinic Laboratories, Mayo Clinic
Classification: Benign. Last evaluated: 2025-05-07. Review status: criteria provided, single submitter. Criteria: ACMG Guidelines, 2015. Collection method: clinical testing. Allele origin: germline. Observed: 1 variant allele.
Comment: BA1, BP4

Blueprint Genetics
Classification: Likely benign. Last evaluated: 2024-11-20. Review status: criteria provided, single submitter. Criteria: ACMG Guidelines, 2015. Collection method: clinical testing. Allele origin: germline.

Fulgent Genetics
Classification: Likely benign for Cataract 41; Type 2 diabetes mellitus; Wolfram syndrome 1; Autosomal dominant nonsyndromic hearing loss 6; Wolfram-like syndrome. Last evaluated: 2022-05-12. Review status: criteria provided, single submitter. Criteria: ACMG Guidelines, 2015. Collection method: clinical testing. Allele origin: unknown.

Illumina Laboratory Services, Illumina
Classification: Benign for Autosomal dominant nonsyndromic hearing loss 6. Last evaluated: 2018-01-12. Review status: criteria provided, single submitter. Criteria: ICSL Variant Classification Criteria 13 December 2019. Collection method: clinical testing. Allele origin: germline.
Comment: This variant was observed in the ICSL laboratory as part of a predisposition screen in an ostensibly healthy population. It had not been previously curated by ICSL or reported in the Human Gene Mutation Database (HGMD: prior to June 1st, 2018), and was therefore a candidate for classification through an automated scoring system. Utilizing variant allele frequency, disease prevalence and penetrance estimates, and inheritance mode, an automated score was calculated to assess if this variant is too frequent to cause the disease. Based on the score and internal cut-off values, a variant classified as benign is not then subjected to further curation. The score for this variant resulted in a classification of benign for this disease.

Illumina Laboratory Services, Illumina
Classification: Likely benign for WFS1-Related Spectrum Disorders. Last evaluated: 2018-01-12. Review status: criteria provided, single submitter. Criteria: ICSL Variant Classification Criteria 13 December 2019. Collection method: clinical testing. Allele origin: germline.
Comment: This variant was observed in the ICSL laboratory as part of a predisposition screen in an ostensibly healthy population. It had not been previously curated by ICSL or reported in the Human Gene Mutation Database (HGMD: prior to June 1st, 2018), and was therefore a candidate for classification through an automated scoring system. Utilizing variant allele frequency, disease prevalence and penetrance estimates, and inheritance mode, an automated score was calculated to assess if this variant is too frequent to cause the disease. Based on the score and internal cut-off values, a variant classified as likely benign is not then subjected to further curation. The score for this variant resulted in a classification of likely benign for this disease.

Eurofins Ntd Llc (ga)
Classification: Likely benign. Last evaluated: 2014-08-04. Review status: criteria provided, single submitter. Criteria: EGL Classification Definitions 2015. Collection method: clinical testing. Allele origin: germline. Observed: 1 variant allele, 1 heterozygote.

GeneDx
Classification: Benign. Last evaluated: 2013-03-20. Review status: criteria provided, single submitter. Criteria: GeneDx Variant Classification (06012015). Collection method: clinical testing. Allele origin: germline. Affected: yes.
Comment: This variant is considered likely benign or benign based on one or more of the following criteria: it is a conservative change, it occurs at a poorly conserved position in the protein, it is predicted to be benign by multiple in silico algorithms, and/or has population frequency not consistent with disease.

Laboratory for Molecular Medicine, Mass General Brigham Personalized Medicine
Classification: Benign. Last evaluated: 2012-04-30. Review status: criteria provided, single submitter. Criteria: LMM Criteria. Collection method: clinical testing. Allele origin: germline. Observed: 2 variant alleles.
Comment: Arg161Gln in Exon 05 of WFS1: This variant is not expected to have clinical sign ificance because it has been identified in 0.7% (28/3738) of African American ch romosomes from a broad population by the NHLBI Exome Sequencing Project (dbSNP rs115346085).

Breakthrough Genomics
Classification: Likely benign. Review status: criteria provided, single submitter. Criteria: ACMG Guidelines, 2015. Collection method: not provided. Allele origin: germline. Inheritance: Autosomal recessive inheritance. Affected: yes.

Clinical Genetics DNA and cytogenetics Diagnostics Lab, Erasmus MC, Erasmus Medical Center
Classification: Likely benign. Review status: no assertion criteria provided. Collection method: clinical testing. Allele origin: germline. Affected: yes. Study: VKGL Data-share Consensus. Not counted in ClinVar's aggregate classification.

Clinical Genetics, Academic Medical Center
Classification: Likely benign. Review status: no assertion criteria provided. Collection method: clinical testing. Allele origin: germline. Affected: yes. Study: VKGL Data-share Consensus. Not counted in ClinVar's aggregate classification.

Laboratory of Diagnostic Genome Analysis, Leiden University Medical Center (LUMC)
Classification: Likely benign. Review status: no assertion criteria provided. Collection method: clinical testing. Allele origin: germline. Affected: yes. Study: VKGL Data-share Consensus. Not counted in ClinVar's aggregate classification.

Literature cited by the submitters: PubMed 17492394 (cited by Mayo Clinic Laboratories, Mayo Clinic); PubMed 25262649 (cited by Mayo Clinic Laboratories, Mayo Clinic); PubMed 30872718 (cited by Mayo Clinic Laboratories, Mayo Clinic); PubMed 35256060 (cited by Mayo Clinic Laboratories, Mayo Clinic); PubMed 37927661 (cited by Mayo Clinic Laboratories, Mayo Clinic).